The following is an entry in ClinVar:

ClinVar aggregate classification (germline): Uncertain significance. Review status: criteria provided, multiple submitters, no conflicts (2 of 4 stars). 3 submissions from 3 submitters: Uncertain significance (3). Last evaluated 2024-11-28.

Conditions:
Hereditary cancer-predisposing syndrome. Also called: Hereditary Cancer Syndrome; Tumor predisposition; Hereditary neoplastic syndrome; Neoplastic Syndromes, Hereditary. Identifiers: Orphanet 140162, MedGen C0027672, MeSH D009386, MONDO:0015356.
Oligodontia-cancer predisposition syndrome. Also called: TOOTH AGENESIS-COLORECTAL CANCER SYNDROME. Identifiers: Orphanet 300576, MedGen C1837750, MONDO:0012075, OMIM 608615. Disease mechanism: loss of function.

Allele frequency attached by ClinVar (database versions not stated): gnomAD exomes below 0.00001.
gnomAD v4.1: 2 of 1,614,242 alleles (0.00012%); highest among the groups gnomAD compares: East Asian, 0.0045%; no homozygotes.

Submissions (3):

Ambry Genetics
Classification: Uncertain significance for Hereditary cancer-predisposing syndrome. Last evaluated: 2024-11-28. Review status: criteria provided, single submitter. Criteria: Ambry Variant Classification Scheme 2023. Collection method: clinical testing. Allele origin: germline.
Comment: The p.E774K variant (also known as c.2320G>A), located in coding exon 9 of the AXIN2 gene, results from a G to A substitution at nucleotide position 2320. The glutamic acid at codon 774 is replaced by lysine, an amino acid with similar properties. This amino acid position is conserved. In addition, this alteration is predicted to be tolerated by in silico analysis. Based on the available evidence, the clinical significance of this variant remains unclear.

GeneDx
Classification: Uncertain significance. Last evaluated: 2023-05-19. Review status: criteria provided, single submitter. Criteria: GeneDx Variant Classification Process June 2021. Collection method: clinical testing. Allele origin: germline. Affected: yes.
Comment: Not observed at significant frequency in large population cohorts (gnomAD); In silico analysis supports that this missense variant does not alter protein structure/function; Has not been previously published as pathogenic or benign to our knowledge; This variant is associated with the following publications: (PMID: 15735151)

Labcorp Genetics (formerly Invitae), Labcorp
Classification: Uncertain significance for Oligodontia-cancer predisposition syndrome. Last evaluated: 2022-12-30. Review status: criteria provided, single submitter. Criteria: Invitae Variant Classification Sherloc (09022015). Collection method: clinical testing. Allele origin: germline.
Comment: In summary, the available evidence is currently insufficient to determine the role of this variant in disease. Therefore, it has been classified as a Variant of Uncertain Significance. Advanced modeling of protein sequence and biophysical properties (such as structural, functional, and spatial information, amino acid conservation, physicochemical variation, residue mobility, and thermodynamic stability) performed at Invitae indicates that this missense variant is not expected to disrupt AXIN2 protein function. ClinVar contains an entry for this variant (Variation ID: 1045447). This variant has not been reported in the literature in individuals affected with AXIN2-related conditions. This variant is not present in population databases (gnomAD no frequency). This sequence change replaces glutamic acid, which is acidic and polar, with lysine, which is basic and polar, at codon 774 of the AXIN2 protein (p.Glu774Lys).

NM_004655.4(AXIN2):c.2320G>A (p.Glu774Lys)

Gene: AXIN2 (axin 2; minus strand). Cytogenetic location: 17q24.1.
Variant type: single nucleotide variant.
Coding change: c.2320G>A on transcript NM_004655.4 (MANE Select); coding-DNA position 2320, G replaced by A.
Protein change: p.Glu774Lys; replaces glutamic acid 774 with lysine.
Molecular consequence: missense variant.
Genome position (GRCh38, 1-based): chr17:65,533,997, C>T on the plus strand (G>A on the coding strand, the complement: AXIN2 is on the minus strand). VCF-style: chr17-65533997-C-T. GRCh37 (hg19) VCF-style: chr17-63530115-C-T.
Other names: c.2125G>A, p.Glu709Lys (NM_001363813.1); c.2320G>A (NM_004655.3); short protein forms E774K, E709K.
Identifiers: ClinVar variation 1045447 (VCV001045447.8), dbSNP rs2043866536, ClinGen allele CA400675509.